The following is an entry in ClinVar:

NM_005045.4(RELN):c.8667+9_8667+13del

Genes: RELN (reelin; minus strand), SLC26A5-AS1 (SLC26A5 antisense RNA 1; plus strand). Cytogenetic location: 7q22.1.
Variant type: Deletion.
Coding change: c.8667+9_8667+13del on transcript NM_005045.4 (MANE Select); bases 9 to 13 of the intron after coding-DNA position 8667, 5 bases deleted (AAAGC; older notation c.8667+9_8667+13delAAAGC).
Molecular consequence: intron variant.
Genome position (GRCh38, 1-based): chr7:103,500,732-103,500,736, GCTTT deleted on the plus strand (AAAGC on the coding strand, the reverse complement: RELN is on the minus strand). VCF-style (leftmost placement, unchanged base first): chr7-103500731-GGCTTT-G. GRCh37 (hg19) VCF-style: chr7-103141178-GGCTTT-G.
Other names: c.8667+9_8667+13del5 (NM_005045.3); c.8667+9_8667+13del (NM_173054.3).
Identifiers: ClinVar variation 436520 (VCV000436520.17), dbSNP rs755797350, ClinGen allele CA4420433.

ClinVar aggregate classification (germline): Conflicting classifications of pathogenicity. Review status: criteria provided, conflicting classifications (1 of 4 stars). 5 submissions from 5 submitters: Uncertain significance (1); Likely benign (3). 1 of the submissions does not count toward it. Last evaluated 2025-10-02.

Conditions:
RELN-related disorder. Also called: RELN-related condition.
Familial temporal lobe epilepsy 7. Identifiers: Orphanet 101046, MedGen C4225327, MONDO:0014639, OMIM 616436.
Norman-Roberts syndrome (LIS2). Also called: Lissencephaly 2 (Norman-Roberts type). Identifiers: Orphanet 89844, MedGen C0796089, MONDO:0009760, OMIM 257320.

Allele frequency attached by ClinVar (database versions not stated): TOPMed 0.00006; ESP Exome Variant Server 0.00008; gnomAD 0.00008; ExAC 0.00006; gnomAD exomes 0.00006 and 0.00008.

Submissions (5):

Labcorp Genetics (formerly Invitae), Labcorp
Classification: Likely benign for Familial temporal lobe epilepsy 7; Norman-Roberts syndrome. Last evaluated: 2025-10-02. Review status: criteria provided, single submitter. Criteria: Invitae Variant Classification Sherloc (09022015). Collection method: clinical testing. Allele origin: germline.

Blueprint Genetics
Classification: Likely benign. Last evaluated: 2024-07-29. Review status: criteria provided, single submitter. Criteria: ACMG Guidelines, 2015. Collection method: clinical testing. Allele origin: germline.

GeneDx
Classification: Likely benign. Last evaluated: 2018-03-28. Review status: criteria provided, single submitter. Criteria: GeneDx Variant Classification (06012015). Collection method: clinical testing. Allele origin: germline. Affected: yes.
Comment: This variant is considered likely benign or benign based on one or more of the following criteria: it is a conservative change, it occurs at a poorly conserved position in the protein, it is predicted to be benign by multiple in silico algorithms, and/or has population frequency not consistent with disease.

Genetic Services Laboratory, University of Chicago
Classification: Uncertain significance. Last evaluated: 2016-12-13. Review status: criteria provided, single submitter. Criteria: ACMG Guidelines, 2015. Collection method: clinical testing. Allele origin: germline. Affected: no.

PreventionGenetics, part of Exact Sciences
Classification: Likely benign for RELN-related condition. Last evaluated: 2024-02-27. Review status: no assertion criteria provided. Collection method: clinical testing. Allele origin: germline. Not counted in ClinVar's aggregate classification.
Comment: This variant is classified as likely benign based on ACMG/AMP sequence variant interpretation guidelines (Richards et al. 2015 PMID: 25741868, with internal and published modifications).